The following is an entry in ClinVar:

ClinVar aggregate classification (germline): Pathogenic (1 of 4 stars; one submission).

Submission:

Labcorp Genetics (formerly Invitae), Labcorp
Classification: Pathogenic. Last evaluated: 2023-09-29. Review status: criteria provided, single submitter. Criteria: Invitae Variant Classification Sherloc (09022015). Collection method: clinical testing. Allele origin: germline.
Comment: This sequence change creates a premature translational stop signal (p.Pro758Argfs*2) in the COL18A1 gene. It is expected to result in an absent or disrupted protein product. Loss-of-function variants in COL18A1 are known to be pathogenic (PMID: 12415512, 25456301). This variant is not present in population databases (gnomAD no frequency). This variant has not been reported in the literature in individuals affected with COL18A1-related conditions. Algorithms developed to predict the effect of sequence changes on RNA splicing suggest that this variant may disrupt the consensus splice site. For these reasons, this variant has been classified as Pathogenic.

Literature cited by the submitters: PubMed 12415512; PubMed 25456301.

NM_001379500.1(COL18A1):c.2273_2277del (p.Pro758fs)

Gene: COL18A1 (collagen type XVIII alpha 1 chain; plus strand). Cytogenetic location: 21q22.3.
Variant type: Deletion.
Coding change: c.2273_2277del on transcript NM_001379500.1 (MANE Select); coding-DNA positions 2273 to 2277, 5 bases deleted (CCAAG; older notation c.2273_2277delCCAAG).
Protein change: p.Pro758fs; shifts the reading frame from proline 758.
Molecular consequence: frameshift variant.
Genome position (GRCh38, 1-based): chr21:45,493,221-45,493,225, CCAAG deleted. VCF-style (leftmost placement, unchanged base first): chr21-45493220-CCCAAG-C. GRCh37 (hg19) VCF-style: chr21-46913134-CCCAAG-C.
Other names: c.2813_2817del, p.Pro938fs (NM_030582.4); c.3518_3522del, p.Pro1173fs (NM_130444.3); short protein forms P1173fs, P758fs, P938fs.
Identifiers: ClinVar variation 2764488 (VCV002764488.3), dbSNP rs2517694033, ClinGen allele CA2697547632.